The following is an entry in ClinVar:

NM_024529.5(CDC73):c.1451G>C (p.Arg484Pro)

Gene: CDC73 (cell division cycle 73; plus strand). Cytogenetic location: 1q31.2.
Variant type: single nucleotide variant.
Coding change: c.1451G>C on transcript NM_024529.5 (MANE Select); coding-DNA position 1451, G replaced by C.
Protein change: p.Arg484Pro; replaces arginine 484 with proline.
Molecular consequence: missense variant.
Genome position (GRCh38, 1-based): chr1:193,249,763, G>C. VCF-style: chr1-193249763-G-C. GRCh37 (hg19) VCF-style: chr1-193218893-G-C.
Other names: short protein forms R484P.
Identifiers: ClinVar variation 4868353 (VCV004868353.1).

ClinVar aggregate classification (germline): Uncertain significance (1 of 4 stars; one submission).

Conditions:
Hereditary cancer-predisposing syndrome. Also called: Neoplastic Syndromes, Hereditary; Tumor predisposition; Hereditary Cancer Syndrome; Hereditary neoplastic syndrome. Identifiers: Orphanet 140162, MedGen C0027672, MeSH D009386, MONDO:0015356.

Submission:

Ambry Genetics
Classification: Uncertain significance for Hereditary cancer-predisposing syndrome. Last evaluated: 2026-03-30. Review status: criteria provided, single submitter. Criteria: Ambry Variant Classification Scheme 2023. Collection method: clinical testing. Allele origin: germline.
Comment: The p.R484P variant (also known as c.1451G>C), located in coding exon 16 of the CDC73 gene, results from a G to C substitution at nucleotide position 1451. The arginine at codon 484 is replaced by proline, an amino acid with dissimilar properties. This amino acid position is conserved. In addition, the in silico prediction for this alteration is inconclusive. Based on the available evidence, the clinical significance of this variant remains unclear.